The following is an entry in ClinVar:

ClinVar aggregate classification (germline): Benign (1 of 4 stars; one submission).

gnomAD v4.1: 6,717 of 1,600,576 alleles (0.42%); highest among the groups gnomAD compares: South Asian, 1.2%; 172 homozygotes.

Submission:

CeGaT Center for Human Genetics Tuebingen
Classification: Benign. Last evaluated: 2026-06-01. Review status: criteria provided, single submitter. Criteria: CeGaT Center For Human Genetics Tuebingen Variant Classification Criteria Version 2. Collection method: clinical testing. Allele origin: germline. Affected: yes. Observed: 2 variant alleles.
Comment: ELOA2: BP4, BS1, BS2

NM_016427.3(ELOA2):c.315C>G (p.Asp105Glu)

Genes: ELOA2 (elongin A2; minus strand), KATNAL2 (katanin catalytic subunit A1 like 2; plus strand). Cytogenetic location: 18q21.1.
Variant type: single nucleotide variant.
Coding change: c.315C>G on transcript NM_016427.3 (MANE Select); coding-DNA position 315, C replaced by G.
Protein change: p.Asp105Glu; replaces aspartic acid 105 with glutamic acid.
Molecular consequence: missense variant. On other transcripts: intron variant (14).
Genome position (GRCh38, 1-based): chr18:47,034,950, G>C on the plus strand (C>G on the coding strand, the complement: ELOA2 is on the minus strand). VCF-style: chr18-47034950-G-C. GRCh37 (hg19) VCF-style: chr18-44561321-G-C.
Other names: c.-1-23285G>C (NM_001353904.1, NM_001353903.1, NM_001353907.1 and 3 more transcripts); c.130-11507G>C (NM_001353899.1, NM_001353900.1, NM_001353902.1); c.52-11507G>C (NM_001353901.1, NM_001387690.1, NM_001367621.1); c.-294-11507G>C (NM_001353905.1); c.-94-17930G>C (NM_031303.3); short protein forms D105E.
Identifiers: ClinVar variation 3388374 (VCV003388374.14).